The following is an entry in ClinVar:

NM_001080414.4(CCDC88C):c.317T>C (p.Met106Thr)

Gene: CCDC88C (coiled-coil and HOOK domain protein 88C; minus strand). Cytogenetic location: 14q32.11.
Variant type: single nucleotide variant.
Coding change: c.317T>C on transcript NM_001080414.4 (MANE Select); coding-DNA position 317, T replaced by C.
Protein change: p.Met106Thr; replaces methionine 106 with threonine.
Molecular consequence: missense variant.
Genome position (GRCh38, 1-based): chr14:91,359,665, A>G on the plus strand (T>C on the coding strand, the complement: CCDC88C is on the minus strand). VCF-style: chr14-91359665-A-G. GRCh37 (hg19) VCF-style: chr14-91826009-A-G.
Other names: short protein forms M106T.
Identifiers: ClinVar variation 1994901 (VCV001994901.4), dbSNP rs2544513093, ClinGen allele CA390617018.
Genomic context (GRCh38, chr14:91,359,665, plus strand): 5'-GGGCACCACAGGGGAGAAGGGAGCGGCTTTCACTCACCAGACAGTGGGTCTCTGCCAATC[A>G]TCAAAACATTGGGCAAATTCATTACAATCAGCTGCTGGAGAACTTCCTGCAGAAACAAAG-3'
Protein context (NP_001073883.2, residues 96-116): LIVMNLPNVL[Met106Thr]IGRDPLSGKS

ClinVar aggregate classification (germline): Uncertain significance (1 of 4 stars; one submission).

Submission:

Labcorp Genetics (formerly Invitae), Labcorp
Classification: Uncertain significance. Last evaluated: 2023-10-03. Review status: criteria provided, single submitter. Criteria: Invitae Variant Classification Sherloc (09022015). Collection method: clinical testing. Allele origin: germline.
Comment: This sequence change replaces methionine, which is neutral and non-polar, with threonine, which is neutral and polar, at codon 106 of the CCDC88C protein (p.Met106Thr). This variant is not present in population databases (gnomAD no frequency). This variant has not been reported in the literature in individuals affected with CCDC88C-related conditions. ClinVar contains an entry for this variant (Variation ID: 1994901). An algorithm developed to predict the effect of missense changes on protein structure and function (PolyPhen-2) suggests that this variant is likely to be tolerated. In summary, the available evidence is currently insufficient to determine the role of this variant in disease. Therefore, it has been classified as a Variant of Uncertain Significance.